The following is an entry in ClinVar:

NM_000384.3(APOB):c.11343C>T (p.Leu3781=)

Gene: APOB (apolipoprotein B; minus strand). Cytogenetic location: 2p24.1.
Variant type: single nucleotide variant.
Coding change: c.11343C>T on transcript NM_000384.3 (MANE Select); coding-DNA position 11343, C replaced by T.
Protein change: p.Leu3781=; no amino-acid change (leucine 3781 retained).
Molecular consequence: synonymous variant.
Genome position (GRCh38, 1-based): chr2:21,005,525, G>A on the plus strand (C>T on the coding strand, the complement: APOB is on the minus strand). VCF-style: chr2-21005525-G-A. GRCh37 (hg19) VCF-style: chr2-21228397-G-A.
Identifiers: ClinVar variation 3571438 (VCV003571438.4).
Genomic context (GRCh38, chr2:21,005,525, plus strand): 5'-AGAATATTTTGTTAACACATCAACTTCAGGGAATTTTACCTCGGGGAGTGTTGGTAGGTT[G>A]AGGGCAAATGATGAAGTTCTCAGCTTCTTATAGATTTGTATTTCTCTGAAGTCAAGTTTG-3'
Protein context (NP_000375.3, residues 3771-3791): YKKLRTSSFA[Leu3781=]NLPTLPEVKF

ClinVar aggregate classification (germline): Likely benign. Review status: criteria provided, multiple submitters, no conflicts (2 of 4 stars). 3 submissions from 3 submitters: Likely benign (3). Last evaluated 2026-03-23.

Conditions:
Cardiovascular phenotype. Identifiers: MedGen CN230736.
Familial hypobetalipoproteinemia 1. Also called: APOB-Related Familial Hypobetalipoproteinemia; Hypobetalipoproteinemia, normotriglyceridemic; Acanthocytosis with hypobetalipoproteinemia. Identifiers: MedGen C4551990, MONDO:0014252, OMIM 615558.
Hypercholesterolemia, autosomal dominant, type B (FHCL2). Also called: HYPERCHOLESTEROLEMIA, FAMILIAL, DUE TO LIGAND-DEFECTIVE APOLIPOPROTEIN B; Hyperlipoproteinemia Type IIb; Familial Hypercholesterolemia Type B; APOLIPOPROTEIN B-100, FAMILIAL DEFECTIVE; APOLIPOPROTEIN B-100, FAMILIAL LIGAND-DEFECTIVE; APOB-Related Familial Hypercholesterolemia, Autosomal Dominant. Identifiers: MedGen C1704417, MONDO:0007751, OMIM 144010.
Familial hypercholesterolemia. Also called: Familial hypercholesterolemias; Familial hypercholesterolaemia. Identifiers: MedGen C0020445, MONDO:0005439.

Submissions (3):

Ambry Genetics
Classification: Likely benign for Cardiovascular phenotype. Last evaluated: 2026-03-23. Review status: criteria provided, single submitter. Criteria: Ambry Variant Classification Scheme 2023. Collection method: clinical testing. Allele origin: germline.

GENinCode PLC
Classification: Likely benign for Familial hypercholesterolemia. Last evaluated: 2025-01-09. Review status: criteria provided, single submitter. Criteria: ACMG Guidelines, 2015. Collection method: clinical testing. Allele origin: germline.
Comment: This is a synonymous (silent) variant that is not predicted to impact splicing and occurs at a nucleotide which is not highly conserved. This variant has been classified as Likely Benign (BP4, BP7).

Labcorp Genetics (formerly Invitae), Labcorp
Classification: Likely benign for Familial hypobetalipoproteinemia 1; Hypercholesterolemia, autosomal dominant, type B. Last evaluated: 2024-02-02. Review status: criteria provided, single submitter. Criteria: Invitae Variant Classification Sherloc (09022015). Collection method: clinical testing. Allele origin: germline.